The following is an entry in ClinVar:

NM_006904.7(PRKDC):c.5486G>C (p.Trp1829Ser)

Gene: PRKDC (protein kinase, DNA-activated, catalytic subunit; minus strand). Cytogenetic location: 8q11.21.
Variant type: single nucleotide variant.
Coding change: c.5486G>C on transcript NM_006904.7 (MANE Select); coding-DNA position 5486, G replaced by C.
Protein change: p.Trp1829Ser; replaces tryptophan 1829 with serine.
Molecular consequence: missense variant.
Genome position (GRCh38, 1-based): chr8:47,864,641, C>G on the plus strand (G>C on the coding strand, the complement: PRKDC is on the minus strand). VCF-style: chr8-47864641-C-G. GRCh37 (hg19) VCF-style: chr8-48777202-C-G.
Other names: c.5486G>C, p.Trp1829Ser (NM_001081640.2); short protein forms W1829S.
Identifiers: ClinVar variation 3425266 (VCV003425266.1).

ClinVar aggregate classification (germline): Uncertain significance (1 of 4 stars; one submission).

Submission:

Ambry Genetics
Classification: Uncertain significance. Last evaluated: 2024-07-02. Review status: criteria provided, single submitter. Criteria: Ambry Variant Classification Scheme 2023. Collection method: clinical testing. Allele origin: germline.
Comment: The p.W1829S variant (also known as c.5486G>C), located in coding exon 41 of the PRKDC gene, results from a G to C substitution at nucleotide position 5486. The tryptophan at codon 1829 is replaced by serine, an amino acid with highly dissimilar properties. This amino acid position is conserved. In addition, the in silico prediction for this alteration is inconclusive. Based on the available evidence, the clinical significance of this variant remains unclear.